The following is an entry in ClinVar:

ClinVar aggregate classification (germline): Uncertain significance. Review status: criteria provided, multiple submitters, no conflicts (2 of 4 stars). 3 submissions from 3 submitters: Uncertain significance (3). Last evaluated 2025-10-07.

Conditions:
Hereditary cancer-predisposing syndrome. Also called: Neoplastic Syndromes, Hereditary; Hereditary neoplastic syndrome; Hereditary Cancer Syndrome; Tumor predisposition. Identifiers: Orphanet 140162, MedGen C0027672, MeSH D009386, MONDO:0015356.
Polymerase proofreading-related adenomatous polyposis. Also called: Polymerase proofreading associated polyposis; Polymerase proofreading–associated polyposis (PPAP). Identifiers: Orphanet 447877, MedGen C5202613, MONDO:0018653.
POLD1-related polyposis and colorectal cancer syndrome (CRCS10). Also called: Colorectal cancer, susceptibility to, 10; Colorectal cancer 10; COLORECTAL CANCER, SUSCEPTIBILITY TO, ON CHROMOSOME 19q. Identifiers: Orphanet 220460, MedGen C2675481, MONDO:0012953, OMIM 612591.

Allele frequency attached by ClinVar (database versions not stated): gnomAD exomes 0.00001.

Submissions (3):

Labcorp Genetics (formerly Invitae), Labcorp
Classification: Uncertain significance for POLD1-related polyposis and colorectal cancer syndrome. Last evaluated: 2025-10-07. Review status: criteria provided, single submitter. Criteria: Invitae Variant Classification Sherloc (09022015). Collection method: clinical testing. Allele origin: germline.
Comment: This sequence change replaces arginine, which is basic and polar, with cysteine, which is neutral and slightly polar, at codon 1008 of the POLD1 protein (p.Arg1008Cys). The frequency data for this variant in the population databases is considered unreliable, as metrics indicate poor data quality at this position in the gnomAD database. This variant has not been reported in the literature in individuals affected with POLD1-related conditions. ClinVar contains an entry for this variant (Variation ID: 407948). Invitae Evidence Modeling of protein sequence and biophysical properties (such as structural, functional, and spatial information, amino acid conservation, physicochemical variation, residue mobility, and thermodynamic stability) indicates that this missense variant is not expected to disrupt POLD1 protein function with a negative predictive value of 80%. In summary, the available evidence is currently insufficient to determine the role of this variant in disease. Therefore, it has been classified as a Variant of Uncertain Significance.

Ambry Genetics
Classification: Uncertain significance for Hereditary cancer-predisposing syndrome. Last evaluated: 2025-04-27. Review status: criteria provided, single submitter. Criteria: Ambry Variant Classification Scheme 2023. Collection method: clinical testing. Allele origin: germline.
Comment: The p.R1008C variant (also known as c.3022C>T), located in coding exon 23 of the POLD1 gene, results from a C to T substitution at nucleotide position 3022. The arginine at codon 1008 is replaced by cysteine, an amino acid with highly dissimilar properties. This amino acid position is conserved. In addition, this alteration is predicted to be tolerated by in silico analysis. Since supporting evidence is limited at this time, the clinical significance of this alteration remains unclear.

Department of Pathology and Laboratory Medicine, Sinai Health System
Classification: Uncertain significance for Polymerase proofreading-related adenomatous polyposis. Last evaluated: 2024-06-21. Review status: criteria provided, single submitter. Criteria: ACMG Guidelines, 2015. Collection method: clinical testing. Allele origin: germline. Affected: yes.

NM_002691.4(POLD1):c.3022C>T (p.Arg1008Cys)

Gene: POLD1 (DNA polymerase delta 1, catalytic subunit; plus strand). Cytogenetic location: 19q13.33.
Variant type: single nucleotide variant.
Coding change: c.3022C>T on transcript NM_002691.4 (MANE Select); coding-DNA position 3022, C replaced by T.
Protein change: p.Arg1008Cys; replaces arginine 1008 with cysteine.
Molecular consequence: missense variant. On other transcripts: non-coding transcript variant (1).
Genome position (GRCh38, 1-based): chr19:50,416,678, C>T. VCF-style: chr19-50416678-C-T. GRCh37 (hg19) VCF-style: chr19-50919935-C-T.
Other names: c.3022C>T, p.Arg1008Cys (NM_001256849.1); c.3100C>T, p.Arg1034Cys (NM_001308632.1); short protein forms R1008C, R1034C.
Identifiers: ClinVar variation 407948 (VCV000407948.14), dbSNP rs1044937882, ClinGen allele CA16616421.